The following is an entry in ClinVar:

ClinVar aggregate classification (germline): Uncertain significance (1 of 4 stars; one submission).

Conditions:
Landau-Kleffner syndrome (FESD). Also called: EPILEPSY, FOCAL, WITH SPEECH DISORDER AND WITH OR WITHOUT MENTAL RETARDATION; APHASIA, ACQUIRED, WITH EPILEPSY. Identifiers: Orphanet 1945, Orphanet 725, Orphanet 98818, MedGen C0282512, MONDO:0009509, OMIM 245570.

Allele frequency attached by ClinVar (database versions not stated): gnomAD exomes below 0.00001.
gnomAD v4.1: 1 of 1,613,820 alleles (0.000062%); highest among the groups gnomAD compares: South Asian, 0.0011%; no homozygotes.

Submission:

Labcorp Genetics (formerly Invitae), Labcorp
Classification: Uncertain significance for Landau-Kleffner syndrome. Last evaluated: 2023-08-24. Review status: criteria provided, single submitter. Criteria: Invitae Variant Classification Sherloc (09022015). Collection method: clinical testing. Allele origin: germline.
Comment: In summary, the available evidence is currently insufficient to determine the role of this variant in disease. Therefore, it has been classified as a Variant of Uncertain Significance. Advanced modeling of protein sequence and biophysical properties (such as structural, functional, and spatial information, amino acid conservation, physicochemical variation, residue mobility, and thermodynamic stability) performed at Invitae indicates that this missense variant is not expected to disrupt GRIN2A protein function. ClinVar contains an entry for this variant (Variation ID: 532716). This variant has not been reported in the literature in individuals affected with GRIN2A-related conditions. This variant is not present in population databases (gnomAD no frequency). This sequence change replaces proline, which is neutral and non-polar, with arginine, which is basic and polar, at codon 1458 of the GRIN2A protein (p.Pro1458Arg).

NM_001134407.3(GRIN2A):c.4373C>G (p.Pro1458Arg)

Gene: GRIN2A (glutamate ionotropic receptor NMDA type subunit 2A; minus strand). Cytogenetic location: 16p13.2.
Variant type: single nucleotide variant.
Coding change: c.4373C>G on transcript NM_001134407.3 (MANE Select); coding-DNA position 4373, C replaced by G.
Protein change: p.Pro1458Arg; replaces proline 1458 with arginine.
Molecular consequence: missense variant. On other transcripts: 3 prime UTR variant (1).
Genome position (GRCh38, 1-based): chr16:9,763,171, G>C on the plus strand (C>G on the coding strand, the complement: GRIN2A is on the minus strand). VCF-style: chr16-9763171-G-C. GRCh37 (hg19) VCF-style: chr16-9857028-G-C.
Other names: c.4373C>G, p.Pro1458Arg (NM_000833.5); c.*184C>G (NM_001134408.2); short protein forms P1458R.
Identifiers: ClinVar variation 532716 (VCV000532716.9), dbSNP rs933017490, ClinGen allele CA394705048.